The following is an entry in ClinVar:

ClinVar aggregate classification (germline): Conflicting classifications of pathogenicity. Review status: criteria provided, conflicting classifications (1 of 4 stars). 2 submissions from 2 submitters: Uncertain significance (1); Likely benign (1). Last evaluated 2022-06-20.

Conditions:
Inborn genetic diseases. Identifiers: MedGen C0950123, MeSH D030342.

Allele frequency attached by ClinVar (database versions not stated): gnomAD exomes 0.00002; TOPMed 0.00004; gnomAD 0.00005.
gnomAD v4.1: 30 of 1,614,022 alleles (0.0019%); highest among the groups gnomAD compares: Non-Finnish European, 0.0024%; no homozygotes.

Submissions (2):

Labcorp Genetics (formerly Invitae), Labcorp
Classification: Likely benign. Last evaluated: 2022-06-20. Review status: criteria provided, single submitter. Criteria: Invitae Variant Classification Sherloc (09022015). Collection method: clinical testing. Allele origin: germline.

Ambry Genetics
Classification: Uncertain significance for Inborn genetic diseases. Last evaluated: 2021-03-26. Review status: criteria provided, single submitter. Criteria: Ambry Variant Classification Scheme 2023. Collection method: clinical testing. Allele origin: germline.
Comment: The c.2036-4C>G intronic alteration consists of a C to G substitution 4 nucleotides before coding exon 15 in the HK1 gene. Based on insufficient or conflicting evidence, the clinical significance of this alteration remains unclear.

NM_000188.3(HK1):c.2036-4C>G

Gene: HK1 (hexokinase 1; plus strand). Cytogenetic location: 10q22.1.
Variant type: single nucleotide variant.
Coding change: c.2036-4C>G on transcript NM_000188.3 (MANE Select); 4 bases into the intron before coding-DNA position 2036, C replaced by G.
Molecular consequence: intron variant.
Genome position (GRCh38, 1-based): chr10:69,392,121, C>G. VCF-style: chr10-69392121-C-G. GRCh37 (hg19) VCF-style: chr10-71151877-C-G.
Other names: c.2000-4C>G (NM_033500.2); c.2141-4C>G (NM_001322365.2); c.2048-4C>G (NM_033498.3, NM_033497.3, NM_001322364.2 and 1 more transcripts); c.2033-4C>G (NM_033496.3); c.1952-4C>G (NM_001322366.1); c.1940-4C>G (NM_001322367.1); c.2036-4C>G (NM_000188.2).
Identifiers: ClinVar variation 1084998 (VCV001084998.10), dbSNP rs1024684465, ClinGen allele CA209215567.